The following is an entry in ClinVar:

NM_020719.3(PRR12):c.3123_3128del (p.Pro1048_Pro1049del)

Gene: PRR12 (proline rich 12; plus strand). Cytogenetic location: 19q13.33.
Variant type: Deletion.
Coding change: c.3123_3128del on transcript NM_020719.3 (MANE Select); coding-DNA positions 3123 to 3128, 6 bases deleted (CCCGCC; older notation c.3123_3128delCCCGCC).
Protein change: p.Pro1048_Pro1049del.
Molecular consequence: inframe deletion.
Genome position (GRCh38, 1-based): chr19:49,597,458-49,597,463, CCCGCC deleted; deleting any 6 consecutive bases within chr19:49,597,456-49,597,463 gives the same sequence; the c. name uses the placement nearest the transcript's 3' end. VCF-style (leftmost placement, unchanged base first): chr19-49597455-ACCCCCG-A. GRCh37 (hg19) VCF-style: chr19-50100712-ACCCCCG-A.
Identifiers: ClinVar variation 4884096 (VCV004884096.2).

ClinVar aggregate classification (germline): Uncertain significance (1 of 4 stars; one submission).

Submission:

Dasa
Classification: Uncertain significance. Last evaluated: 2024-11-05. Review status: criteria provided, single submitter. Criteria: DASA Assertion Criteria. Collection method: clinical testing. Allele origin: germline.
Comment: NM_020719.3(PRR12):c.3123_3128del (p.Pro1048_Pro1049del) is an in-frame deletion predicted to remove amino acids from proline at protein position 1048 through proline at protein position 1049 without shifting the reading frame. This variant is rare in population databases. The currently available literature and clinical evidence are not sufficient to establish a definitive association between this variant and the reported condition. Therefore, this variant is classified as a variant of uncertain significance.